The following is an entry in ClinVar:

NM_000057.4(BLM):c.1050G>A (p.Met350Ile)

Gene: BLM (BLM RecQ like helicase; plus strand). Cytogenetic location: 15q26.1.
Variant type: single nucleotide variant.
Coding change: c.1050G>A on transcript NM_000057.4 (MANE Select); coding-DNA position 1050, G replaced by A.
Protein change: p.Met350Ile; replaces methionine 350 with isoleucine.
Molecular consequence: missense variant. On other transcripts: 5 prime UTR variant (1).
Genome position (GRCh38, 1-based): chr15:90,754,901, G>A. VCF-style: chr15-90754901-G-A. GRCh37 (hg19) VCF-style: chr15-91298131-G-A.
Other names: c.1050G>A, p.Met350Ile (NM_001287246.2, NM_001287247.2); c.-242G>A (NM_001287248.2); short protein forms M350I.
Identifiers: ClinVar variation 2447176 (VCV002447176.2), dbSNP rs745469404, ClinGen allele CA274731659.

ClinVar aggregate classification (germline): Uncertain significance (1 of 4 stars; one submission).

Conditions:
Hereditary cancer-predisposing syndrome. Also called: Neoplastic Syndromes, Hereditary; Hereditary Cancer Syndrome; Tumor predisposition; Hereditary neoplastic syndrome. Identifiers: Orphanet 140162, MedGen C0027672, MeSH D009386, MONDO:0015356.

Allele frequency attached by ClinVar (database versions not stated): gnomAD exomes below 0.00001.
gnomAD v4.1: 3 of 1,613,908 alleles (0.00019%); highest among the groups gnomAD compares: African/African-American, 0.0013%; no homozygotes.

Submission:

Ambry Genetics
Classification: Uncertain significance for Hereditary cancer-predisposing syndrome. Last evaluated: 2023-03-03. Review status: criteria provided, single submitter. Criteria: Ambry Variant Classification Scheme 2023. Collection method: clinical testing. Allele origin: germline.
Comment: The p.M350I variant (also known as c.1050G>A), located in coding exon 4 of the BLM gene, results from a G to A substitution at nucleotide position 1050. The methionine at codon 350 is replaced by isoleucine, an amino acid with highly similar properties. This amino acid position is conserved. In addition, this alteration is predicted to be tolerated by in silico analysis. Since supporting evidence is limited at this time, the clinical significance of this alteration remains unclear.